The following is an entry in ClinVar:

ClinVar aggregate classification (germline): Uncertain significance (1 of 4 stars; one submission).

gnomAD v4.1: 13 of 1,606,458 alleles (0.00081%); highest among the groups gnomAD compares: Non-Finnish European, 0.0011%; no homozygotes.

Submission:

Phosphorus, Inc.
Classification: Uncertain significance. Last evaluated: 2022-01-14. Review status: criteria provided, single submitter. Criteria: ACMG Guidelines, 2015. Collection method: clinical testing. Allele origin: germline. Inheritance: Autosomal dominant inheritance.
Comment: This missense variant results in a substitution of cysteine with phenylalanine at codon 828 of the MYLK gene (transcript NM_053025.3). This variant has not been reported in ClinVar and has not occurred in population databases. This position is not conserved. In silico functional algorithms agree, predicting it as benign (PolyPhen/REVEL) and tolerated (SIFT), but no functional studies were performed to confirm these predictions. The variant has not occurred in the literature associated with the disease. In conclusion, the available evidence is insufficient to determine whether this variant has a role in disease. Therefore, it is classified as a Variant of Uncertain Significance.

NM_053025.4(MYLK):c.2483G>T (p.Cys828Phe)

Gene: MYLK (myosin light chain kinase; minus strand). Cytogenetic location: 3q21.1.
Variant type: single nucleotide variant.
Coding change: c.2483G>T on transcript NM_053025.4 (MANE Select); coding-DNA position 2483, G replaced by T.
Protein change: p.Cys828Phe; replaces cysteine 828 with phenylalanine.
Molecular consequence: missense variant.
Genome position (GRCh38, 1-based): chr3:123,700,985, C>A on the plus strand (G>T on the coding strand, the complement: MYLK is on the minus strand). VCF-style: chr3-123700985-C-A. GRCh37 (hg19) VCF-style: chr3-123419832-C-A.
Other names: c.1955G>T, p.Cys652Phe (NM_001321309.2); c.2276G>T, p.Cys759Phe (NM_053026.4, NM_053028.4); c.2483G>T, p.Cys828Phe (NM_053027.4); short protein forms C652F, C759F, C828F.
Identifiers: ClinVar variation 1339309 (VCV001339309.1), dbSNP rs767423365, ClinGen allele CA82925631.